The following is an entry in ClinVar:

NM_000275.3(OCA2):c.2395C>A (p.Gln799Lys)

Gene: OCA2 (OCA2 melanosomal transmembrane protein; minus strand). Cytogenetic location: 15q13.1.
Variant type: single nucleotide variant.
Coding change: c.2395C>A on transcript NM_000275.3 (MANE Select); coding-DNA position 2395, C replaced by A.
Protein change: p.Gln799Lys; replaces glutamine 799 with lysine.
Molecular consequence: missense variant.
Genome position (GRCh38, 1-based): chr15:27,844,996, G>T on the plus strand (C>A on the coding strand, the complement: OCA2 is on the minus strand). VCF-style: chr15-27844996-G-T. GRCh37 (hg19) VCF-style: chr15-28090142-G-T.
Other names: c.2395C>A (NM_000275.2); c.2323C>A, p.Gln775Lys (NM_001300984.2); short protein forms Q775K, Q799K.
Identifiers: ClinVar variation 1468405 (VCV001468405.9), dbSNP rs781471173, ClinGen allele CA7438584.

ClinVar aggregate classification (germline): Uncertain significance. Review status: criteria provided, multiple submitters, no conflicts (2 of 4 stars). 2 submissions from 2 submitters: Uncertain significance (2). Last evaluated 2023-12-08.

Conditions:
Inborn genetic diseases. Identifiers: MedGen C0950123, MeSH D030342.

Allele frequency attached by ClinVar (database versions not stated): TOPMed below 0.00001.
gnomAD v4.1: 1 of 1,613,910 alleles (0.000062%); highest among the groups gnomAD compares: Non-Finnish European, 0.000085%; no homozygotes.

Submissions (2):

Ambry Genetics
Classification: Uncertain significance for Inborn genetic diseases. Last evaluated: 2023-12-08. Review status: criteria provided, single submitter. Criteria: Ambry Variant Classification Scheme 2023. Collection method: clinical testing. Allele origin: germline.

Labcorp Genetics (formerly Invitae), Labcorp
Classification: Uncertain significance. Last evaluated: 2023-11-20. Review status: criteria provided, single submitter. Criteria: Invitae Variant Classification Sherloc (09022015). Collection method: clinical testing. Allele origin: germline.
Comment: This sequence change replaces glutamine, which is neutral and polar, with lysine, which is basic and polar, at codon 799 of the OCA2 protein (p.Gln799Lys). This variant is present in population databases (rs781471173, gnomAD 0.0009%). This variant has not been reported in the literature in individuals affected with OCA2-related conditions. ClinVar contains an entry for this variant (Variation ID: 1468405). Advanced modeling of protein sequence and biophysical properties (such as structural, functional, and spatial information, amino acid conservation, physicochemical variation, residue mobility, and thermodynamic stability) performed at Invitae indicates that this missense variant is not expected to disrupt OCA2 protein function with a negative predictive value of 80%. In summary, the available evidence is currently insufficient to determine the role of this variant in disease. Therefore, it has been classified as a Variant of Uncertain Significance.